The following continues an entry in ClinVar:

NM_000277.3(PAH):c.1315+1G>A

Gene: PAH. ClinVar aggregate classification (germline): Pathogenic. Pathogenic (1).

Submissions 9 to 25 of 43:

Victorian Clinical Genetics Services, Murdoch Childrens Research Institute
Classification: Pathogenic for Phenylketonuria. Last evaluated: 2025-10-09. Review status: criteria provided, single submitter. Criteria: ACMG Guidelines, 2015. Collection method: clinical testing. Allele origin: germline. Not counted in ClinVar's aggregate classification.
Comment: This variant is classified as Pathogenic. Evidence in support of pathogenic classification: Splice site variant proven to affect splicing of the transcript with a known effect on protein sequence. cDNA studies demonstrated this variant causes exon skipping resulting in a truncated protein with less than 1/3 of the protein sequence affected. Expression studies showed this deletion abolishes PAH activity and leads to protein instability (PMID: 3615198); Variant is present in gnomAD <0.01 for a recessive condition (v4: 1506 heterozygote(s), 0 homozygote(s)); This variant has strong previous evidence of pathogenicity in unrelated individuals. This variant has been classified pathogenic by the ClinGen PAH Variant Curation Expert Panel (ClinVar); Abnormal splicing is predicted by in silico tool and affected nucleotide is highly conserved. Additional information: This variant is heterozygous; This gene is associated with autosomal recessive disease; Alternative nucleotide change(s) at the same canonical splice site, are present in gnomAD (Highest alelle count: v4: 1 heterozygote(s), 0 homozygote(s)).

Natera, Inc.
Classification: Pathogenic for Phenylketonuria. Last evaluated: 2025-08-06. Review status: criteria provided, single submitter. Criteria: Natera Variant Classification Schema (03/2026). Collection method: clinical testing. Allele origin: germline. Not counted in ClinVar's aggregate classification.
Comment: The c.1315+1G>A variant in PAH is a canonical splice donor site variant predicted to affect pre-mRNA splicing, which may result in an abnormal transcript and altered protein product. This variant is expected to result in nonsense mediated decay, truncation, or a dysfunctional protein product. This variant is rare in the general population with a frequency below the threshold expected for the associated phenotype(s). This variant has been observed in one or more individuals affected with the associated recessive disease, as either homozygous or compound heterozygous with a second variant (PMID: 37189584). Given the available evidence, this variant is classified as Pathogenic.

Blueprint Genetics
Classification: Pathogenic for PAH-related disorders. Last evaluated: 2024-11-08. Review status: criteria provided, single submitter. Criteria: ACMG Guidelines, 2015. Collection method: clinical testing. Allele origin: germline. Affected: yes. Observed: 5 variant alleles. Not counted in ClinVar's aggregate classification.

Quest Diagnostics Nichols Institute San Juan Capistrano
Classification: Pathogenic. Last evaluated: 2024-04-02. Review status: criteria provided, single submitter. Criteria: Quest Diagnostics criteria. Collection method: clinical testing. Allele origin: unknown. Not counted in ClinVar's aggregate classification.
Comment: The PAH c.1315+1G>A variant disrupts a canonical splice-donor site and interferes with normal PAH mRNA splicing. This variant has been reported in homozygous or compound heterozygous states in multiple individuals with PKU (PMIDs: 9634518 (1998), 24368688 (2014), 24941924 (2015), 25596310 (2015), 26542770 (2016), 33375644 (2020), 34828281 (2021)). Experimental studies indicate that this variant results in skipping of exon 12 in mRNA derived from patient cells and it has to very low PAH activity due to protein instability (PMIDs: 3615198 (1987), 17935162 (2008)). The frequency of this variant in the general population, 0.001 (51/50816 chromosomes (Genome Aggregation Database)), is consistent with pathogenicity. Based on the available information, this variant is classified as pathogenic.

Mayo Clinic Laboratories, Mayo Clinic
Classification: Pathogenic. Last evaluated: 2024-01-22. Review status: criteria provided, single submitter. Criteria: ACMG Guidelines, 2015. Collection method: clinical testing. Allele origin: germline. Observed: 6 variant alleles. Not counted in ClinVar's aggregate classification.
Comment: PP4_moderate, PM3, PS3, PVS1

Revvity Omics, Revvity
Classification: Pathogenic for Phenylketonuria. Last evaluated: 2023-12-28. Review status: criteria provided, single submitter. Criteria: ACMG Guidelines, 2015. Collection method: clinical testing. Allele origin: germline. Not counted in ClinVar's aggregate classification.

Department of Pathology and Laboratory Medicine, Sinai Health System
Classification: Pathogenic for phenylketonuria. Last evaluated: 2022-07-18. Review status: criteria provided, single submitter. Criteria: ACMG Guidelines, 2015. Collection method: research. Allele origin: germline. Not counted in ClinVar's aggregate classification.

Department of Human Genetics, Hannover Medical School
Classification: Pathogenic for Phenylketonuria. Last evaluated: 2022-05-30. Review status: criteria provided, single submitter. Criteria: ACMG Guidelines, 2015. Collection method: clinical testing. Allele origin: germline. Inheritance: Autosomal recessive inheritance. Affected: yes. Not counted in ClinVar's aggregate classification.

Clinical Genetics Laboratory, Skane University Hospital Lund
Classification: Pathogenic. Last evaluated: 2022-05-27. Review status: criteria provided, single submitter. Criteria: ACMG Guidelines, 2015. Collection method: clinical testing. Allele origin: germline. Affected: yes. Not counted in ClinVar's aggregate classification.

Fulgent Genetics
Classification: Pathogenic for Phenylketonuria. Last evaluated: 2022-03-08. Review status: criteria provided, single submitter. Criteria: ACMG Guidelines, 2015. Collection method: clinical testing. Allele origin: unknown. Not counted in ClinVar's aggregate classification.

Genetics and Molecular Pathology, SA Pathology
Classification: Pathogenic for Phenylketonuria. Last evaluated: 2022-01-13. Review status: criteria provided, single submitter. Criteria: ACMG Guidelines, 2015. Collection method: clinical testing. Allele origin: germline. Inheritance: Autosomal recessive inheritance. Affected: yes. Not counted in ClinVar's aggregate classification.

3billion
Classification: Pathogenic for Phenylketonuria. Last evaluated: 2022-01-03. Review status: criteria provided, single submitter. Criteria: ACMG Guidelines, 2015. Collection method: clinical testing. Allele origin: germline. Affected: yes. Observed: 1 heterozygote. Not counted in ClinVar's aggregate classification.
Comment: Canonical splice site: predicted to alter splicing and result in a loss or disruption of normal protein function through protein truncation. Multiple pathogenic variants are reported in the predicted truncated region (PVS1_S). Functional studies provide strong evidence of the variant having a damaging effect on the gene or gene product (PMID: 3615198, 17935162, PS3_S). The variant has been reported multiple times as an established pathogenic/likely pathogenic variant (ClinVar ID: VCV000000576, 3billion dataset). It is observed at an extremely low frequency in the gnomAD v2.1.1 dataset (total allele frequency: 0.000396, PM2_M). The variant has been reported to be in trans with a pathogenic variant as either compound heterozygous or homozygous in at least one similarly affected unrelated individual (PMID: 24941924, PM3_M). Therefore, this variant is classified as pathogenic according to the recommendation of ACMG/AMP guideline.

Institute for Clinical Genetics, University Hospital TU Dresden, University Hospital TU Dresden
Classification: Pathogenic. Last evaluated: 2021-11-03. Review status: criteria provided, single submitter. Criteria: ACMG Guidelines, 2015. Collection method: clinical testing. Allele origin: germline. Not counted in ClinVar's aggregate classification.

Ambry Genetics
Classification: Pathogenic for Inborn genetic diseases. Last evaluated: 2021-01-05. Review status: criteria provided, single submitter. Criteria: Ambry Variant Classification Scheme 2023. Collection method: clinical testing. Allele origin: germline. Not counted in ClinVar's aggregate classification.
Comment: The c.1315+1G>A intronic alteration consists of a G to A substitution one nucleotide after coding exon 12 of the PAH gene. Alterations that disrupt the canonical splice site are expected to cause aberrant splicing, resulting in an abnormal protein or a transcript that is subject to nonsense-mediated mRNA decay. Based on data from the Genome Aggregation Database (gnomAD), the PAH c.1315+1G>A alteration was observed in 0.04% (112/282,806) of total alleles studied, with a frequency of 0.08% (105/129,170) in the European (non-Finnish) subpopulation. The c.1315+1G>A alteration has been observed in both the homozygous state and compound heterozygous state in multiple unrelated individuals (Dihella 1986; Tabor, 2014; Xiong, 2015). In silico splice site analysis predicts that this alteration will weaken the native splice donor site. Based on the available evidence, this alteration is classified as pathogenic.

GeneDx
Classification: Pathogenic. Last evaluated: 2020-02-25. Review status: criteria provided, single submitter. Criteria: GeneDx Variant Classification Process June 2021. Collection method: clinical testing. Allele origin: germline. Affected: yes. Not counted in ClinVar's aggregate classification.
Comment: Published functional studies demonstrate c.1315+1 G>A results in deletion of exon 12 and abolishes phenylalanine hydroxylase activity due to protein instability (Marvit et al., 1987); Canonical splice site variant in a gene for which loss-of-function is a known mechanism of disease; Classified as not responsive to tetrahydrobiopterin (BH4) therapy (Zurfluh et al., 2008; Vela-Amieva et al., 2015); This variant is associated with the following publications: (PMID: 3008810, 23559577, 3018584, 22975760, 11914042, 26666653, 8406445, 24368688, 17935162, 25525159, 21228398, 3615198, 25087612, 24941924, 12655553, 11999982, 2014036, 26542770, 23500595, 24190797, 22526846, 30963030, 31589614, 33101986, 8188310, 32853555, 1677425)

Centre for Mendelian Genomics, University Medical Centre Ljubljana
Classification: Pathogenic for Phenylketonuria. Last evaluated: 2020-02-04. Review status: criteria provided, single submitter. Criteria: ACMG Guidelines, 2015. Collection method: clinical testing. Allele origin: unknown. Affected: yes. Not counted in ClinVar's aggregate classification.
Comment: This variant was classified as: Pathogenic. The following ACMG criteria were applied in classifying this variant: PVS1,PS1,PM2.

New York Genome Center
Classification: Pathogenic for Pituitary hormone deficiency, combined, 2. Last evaluated: 2020-01-21. Review status: criteria provided, single submitter. Criteria: NYGC Assertion Criteria 2020. Collection method: clinical testing. Allele origin: germline. Observed: 1 heterozygote. Study: CSER-NYCKidSeq. Not counted in ClinVar's aggregate classification.